The following is an entry in ClinVar:

NM_001903.5(CTNNA1):c.1439C>A (p.Ala480Asp)

Gene: CTNNA1 (catenin alpha 1; plus strand). Cytogenetic location: 5q31.2.
Variant type: single nucleotide variant.
Coding change: c.1439C>A on transcript NM_001903.5 (MANE Select); coding-DNA position 1439, C replaced by A.
Protein change: p.Ala480Asp; replaces alanine 480 with aspartic acid.
Molecular consequence: missense variant. On other transcripts: 5 prime UTR variant (5).
Genome position (GRCh38, 1-based): chr5:138,917,791, C>A. VCF-style: chr5-138917791-C-A. GRCh37 (hg19) VCF-style: chr5-138253480-C-A.
Other names: c.329C>A, p.Ala110Asp (NM_001323988.1, NM_001323989.1, NM_001323990.1 and 17 more transcripts); c.-11C>A (NM_001324006.1, NM_001324007.1, NM_001324008.1 and 2 more transcripts); c.236C>A, p.Ala79Asp (NM_001324011.1); c.86C>A, p.Ala29Asp (NM_001324012.1, NM_001324013.1); c.1439C>A, p.Ala480Asp (NM_001290307.3, NM_001323982.2, NM_001323983.1 and 2 more transcripts); c.1130C>A, p.Ala377Asp (NM_001290309.3); c.1070C>A, p.Ala357Asp (NM_001290310.3); c.1346C>A, p.Ala449Asp (NM_001323986.2); short protein forms A29D, A357D, A377D, A79D, A449D, A110D, A480D.
Identifiers: ClinVar variation 2828623 (VCV002828623.3), dbSNP rs2533588766, ClinGen allele CA361137183.

ClinVar aggregate classification (germline): Uncertain significance (1 of 4 stars; one submission).

Submission:

Labcorp Genetics (formerly Invitae), Labcorp
Classification: Uncertain significance. Last evaluated: 2023-01-14. Review status: criteria provided, single submitter. Criteria: Invitae Variant Classification Sherloc (09022015). Collection method: clinical testing. Allele origin: germline.
Comment: In summary, the available evidence is currently insufficient to determine the role of this variant in disease. Therefore, it has been classified as a Variant of Uncertain Significance. Advanced modeling of protein sequence and biophysical properties (such as structural, functional, and spatial information, amino acid conservation, physicochemical variation, residue mobility, and thermodynamic stability) performed at Invitae indicates that this missense variant is expected to disrupt CTNNA1 protein function. This variant has not been reported in the literature in individuals affected with CTNNA1-related conditions. This variant is not present in population databases (gnomAD no frequency). This sequence change replaces alanine, which is neutral and non-polar, with aspartic acid, which is acidic and polar, at codon 480 of the CTNNA1 protein (p.Ala480Asp).